The following is an entry in ClinVar:

ClinVar aggregate classification (germline): Uncertain significance. Review status: criteria provided, multiple submitters, no conflicts (2 of 4 stars). 2 submissions from 2 submitters: Uncertain significance (2). Last evaluated 2026-08-05.

Conditions:
Inborn genetic diseases. Identifiers: MedGen C0950123, MeSH D030342.

Allele frequency attached by ClinVar (database versions not stated): TOPMed below 0.00001; ExAC 0.00003.
gnomAD v4.1: 21 of 1,595,354 alleles (0.0013%); highest among the groups gnomAD compares: African/African-American, 0.019%; 1 homozygote.

Submissions (2):

Ambry Genetics
Classification: Uncertain significance for Inborn genetic diseases. Last evaluated: 2026-08-05. Review status: criteria provided, single submitter. Criteria: Ambry Variant Classification Scheme 2023. Collection method: clinical testing. Allele origin: germline.
Comment: The c.4379G>T (p.S1460I) alteration is located in exon 29 (coding exon 29) of the CHD5 gene. This alteration results from a G to T substitution at nucleotide position 4379, causing the serine (S) at amino acid position 1460 to be replaced by an isoleucine (I). Based on data from gnomAD, the T allele has an overall frequency of <0.001% (1/218706) total alleles studied. The highest observed frequency was <0.001% (/) of alleles. Based on insufficient or conflicting evidence, the clinical significance of this alteration remains unclear.

Clinical Genetics Laboratory, Skane University Hospital Lund
Classification: Uncertain significance. Last evaluated: 2023-07-10. Review status: criteria provided, single submitter. Criteria: ACMG Guidelines, 2015. Collection method: clinical testing. Allele origin: germline. Affected: yes.

NM_015557.3(CHD5):c.4379G>T (p.Ser1460Ile)

Gene: CHD5 (chromodomain helicase DNA binding protein 5; minus strand). Cytogenetic location: 1p36.31.
Variant type: single nucleotide variant.
Coding change: c.4379G>T on transcript NM_015557.3 (MANE Select); coding-DNA position 4379, G replaced by T.
Protein change: p.Ser1460Ile; replaces serine 1460 with isoleucine.
Molecular consequence: missense variant.
Genome position (GRCh38, 1-based): chr1:6,125,115, C>A on the plus strand (G>T on the coding strand, the complement: CHD5 is on the minus strand). VCF-style: chr1-6125115-C-A. GRCh37 (hg19) VCF-style: chr1-6185175-C-A.
Other names: short protein forms S1460I.
Identifiers: ClinVar variation 2407571 (VCV002407571.4), dbSNP rs377385106, ClinGen allele CA556198.